The following continues an entry in ClinVar:

NM_000157.4(GBA1):c.882T>G (p.His294Gln)

ClinVar aggregate classification (germline): Conflicting classifications of pathogenicity; other. Pathogenic (3); Likely pathogenic (4); Uncertain significance (9); Likely benign (1).

Submissions 11 to 21 of 21:

Genome-Nilou Lab
Classification: Likely pathogenic for Gaucher disease type I. Last evaluated: 2021-06-10. Review status: criteria provided, single submitter. Criteria: ACMG Guidelines, 2015. Collection method: clinical testing. Allele origin: germline. Affected: no.

Revvity Omics, Revvity
Classification: Uncertain significance. Last evaluated: 2020-11-23. Review status: criteria provided, single submitter. Criteria: ACMG Guidelines, 2015. Collection method: clinical testing. Allele origin: germline.

Broad Center for Mendelian Genomics, Broad Institute of MIT and Harvard
Classification: Uncertain significance for Gaucher disease. Last evaluated: 2020-01-14. Review status: criteria provided, single submitter. Criteria: ACMG Guidelines, 2015. Collection method: curation. Allele origin: germline. Inheritance: Autosomal recessive inheritance.
Comment: The p.His294Gln variant in GBA has been reported in at least 34 individuals with Gaucher disease (PMID: 19459886, 18429048, 25435509, 26847548) and has been identified in 0.058% (6/10370) of Ashkenazi Jewish chromosomes by the Genome Aggregation Database (gnomAD; dbSNP rs367968666). Although this variant has been seen in the general population, its frequency is low enough to be consistent with a recessive carrier frequency. This variant has also been reported in ClinVar (VariationID: 242810) as a VUS by Integrated Genetics and Praxis fuer Humangenetik Tuebingen and as pathogenic by Mayo Clinic Genetic Testing Laboratories. Computational prediction tools do not provide strong support for or against an impact to the protein. The His at position 294 is not highly conserved in mammals and evolutionary distant species, and 16 species (Chinese hamster, the golden hamster, and most birds) carry a Gln, raising the possibility that this change at this position may be tolerated. This variant was found exclusively in cis with another pathogenic variant, suggesting that it may not cause disease independently (PMID: 19459886, 18429048, 25435509, 26847548; Variation ID: 4293). In vitro functional studies provide some evidence that the p.His294Gln variant may not independently impact protein function. Additionally, this variant is shown to further decrease the residual activity of the p.Asp448His variant when the variants are on the same allele, suggesting that the variant may increase disease severity when in cis with the pathogenic p.Asp448His variant (PMID: 18429048). However, these types of assays may not accurately represent biological function. In summary, while the clinical significance of the p.His294Gln variant is uncertain, these data suggest that it is more likely to be benign but is expected to increase disease severity as part of the complex allele [p.Asp448His;p.His294Glln]. ACMG/AMP Criteria applied: BS3, BP2, PM2 (Richards 2015).

Eurofins Ntd Llc (ga)
Classification: other. Last evaluated: 2018-05-04. Review status: criteria provided, single submitter. Criteria: EGL ClinVar v180209 classification definitions. Collection method: clinical testing. Allele origin: germline. Observed: 3 variant alleles, 3 heterozygotes.

Centre for Mendelian Genomics, University Medical Centre Ljubljana
Classification: Pathogenic for Gaucher disease perinatal lethal. Last evaluated: 2016-01-01. Review status: criteria provided, single submitter. Criteria: ACMG Guidelines, 2015. Collection method: clinical testing. Allele origin: unknown. Affected: yes.
Comment: This variant was classified as: Pathogenic. The following ACMG criteria were applied in classifying this variant: PS1,PM3,PS3,PP5.

Baylor Genetics
Classification: Likely pathogenic for Gaucher disease type I; Gaucher disease type II; Gaucher disease type III; Gaucher disease-ophthalmoplegia-cardiovascular calcification syndrome. Review status: criteria provided, single submitter. Criteria: ACMG Guidelines, 2015. Collection method: clinical testing. Allele origin: germline.

Baylor Genetics
Classification: Uncertain significance for Gaucher disease type I. Review status: criteria provided, single submitter. Criteria: ACMG Guidelines, 2015. Collection method: clinical testing. Allele origin: unknown.

Kariminejad - Najmabadi Pathology & Genetics Center
Classification: Likely pathogenic for Gaucher disease perinatal lethal. Review status: criteria provided, single submitter. Criteria: ACMG Guidelines, 2015. Collection method: clinical testing. Allele origin: germline. Affected: no.

Natera, Inc.
Classification: Uncertain significance for Gaucher disease. Last evaluated: 2018-05-09. Review status: no assertion criteria provided. Collection method: clinical testing. Allele origin: germline. Not counted in ClinVar's aggregate classification.

Mayo Clinic Laboratories, Mayo Clinic
Classification: Pathogenic. Last evaluated: 2017-05-10. Review status: no assertion criteria provided. Collection method: clinical testing. Allele origin: unknown. Not counted in ClinVar's aggregate classification.

GeneReviews
No classification provided. Condition: Gaucher disease. Review status: no classification provided. Collection method: literature only. Allele origin: germline. Not counted in ClinVar's aggregate classification.

Literature cited by the submitters: PubMed 15605411 (cited by Women's Health and Genetics/Laboratory Corporation of America, LabCorp and Ambry Genetics); PubMed 22812582 (cited by Women's Health and Genetics/Laboratory Corporation of America, LabCorp); PubMed 21745757 (cited by Women's Health and Genetics/Laboratory Corporation of America, LabCorp); PubMed 18429048 (cited by 3 submitters); PubMed 10649495 (cited by 3 submitters); PubMed 27094865 (cited by Women's Health and Genetics/Laboratory Corporation of America, LabCorp); PubMed 19383421 (cited by Women's Health and Genetics/Laboratory Corporation of America, LabCorp and Ambry Genetics); PubMed 36609826 (cited by Women's Health and Genetics/Laboratory Corporation of America, LabCorp); PubMed 37009750 (cited by Women's Health and Genetics/Laboratory Corporation of America, LabCorp); PubMed 19167250 (cited by Women's Health and Genetics/Laboratory Corporation of America, LabCorp); PubMed 35845720 (cited by Women's Health and Genetics/Laboratory Corporation of America, LabCorp); PubMed 40848607 (cited by Women's Health and Genetics/Laboratory Corporation of America, LabCorp); PubMed 39034353 (cited by Women's Health and Genetics/Laboratory Corporation of America, LabCorp); PubMed 38881158 (cited by Women's Health and Genetics/Laboratory Corporation of America, LabCorp); PubMed 38153678 (cited by Women's Health and Genetics/Laboratory Corporation of America, LabCorp); PubMed 15690354 (cited by Ambry Genetics); PubMed 19459886 (cited by Ambry Genetics and Broad Center for Mendelian Genomics, Broad Institute of MIT and Harvard); PubMed 23426826 (cited by Ambry Genetics); PubMed 32547927 (cited by Ambry Genetics); PubMed 33473340 (cited by Ambry Genetics); PubMed 26847548 (cited by Broad Center for Mendelian Genomics, Broad Institute of MIT and Harvard); PubMed 25435509 (cited by Broad Center for Mendelian Genomics, Broad Institute of MIT and Harvard).